The following is an entry in ClinVar:

ClinVar aggregate classification (germline): Uncertain significance (1 of 4 stars; one submission).

Submission:

Labcorp Genetics (formerly Invitae), Labcorp
Classification: Uncertain significance. Last evaluated: 2024-09-16. Review status: criteria provided, single submitter. Criteria: Invitae Variant Classification Sherloc (09022015). Collection method: clinical testing. Allele origin: germline.
Comment: This sequence change replaces tryptophan, which is neutral and slightly polar, with glycine, which is neutral and non-polar, at codon 1484 of the EYS protein (p.Trp1484Gly). This variant is not present in population databases (gnomAD no frequency). This variant has not been reported in the literature in individuals affected with EYS-related conditions. An algorithm developed to predict the effect of missense changes on protein structure and function outputs the following: PolyPhen-2: "Probably Damaging". The glycine amino acid residue is found in multiple mammalian species, which suggests that this missense change does not adversely affect protein function. In summary, the available evidence is currently insufficient to determine the role of this variant in disease. Therefore, it has been classified as a Variant of Uncertain Significance.

NM_001142800.2(EYS):c.4450T>G (p.Trp1484Gly)

Gene: EYS (EGF-like photoreceptor maintenance factor; minus strand). Cytogenetic location: 6q12.
Variant type: single nucleotide variant.
Coding change: c.4450T>G on transcript NM_001142800.2 (MANE Select); coding-DNA position 4450, T replaced by G.
Protein change: p.Trp1484Gly; replaces tryptophan 1484 with glycine.
Molecular consequence: missense variant.
Genome position (GRCh38, 1-based): chr6:64,591,417, A>C on the plus strand (T>G on the coding strand, the complement: EYS is on the minus strand). VCF-style: chr6-64591417-A-C. GRCh37 (hg19) VCF-style: chr6-65301310-A-C.
Other names: c.4450T>G, p.Trp1484Gly (NM_001292009.2); short protein forms W1484G.
Identifiers: ClinVar variation 3635307 (VCV003635307.2).